The following is an entry in ClinVar:

ClinVar aggregate classification (germline): Uncertain significance. Review status: criteria provided, multiple submitters, no conflicts (2 of 4 stars). 2 submissions from 2 submitters: Uncertain significance (2). Last evaluated 2024-10-21.

Submissions (2):

Dasa
Classification: Uncertain significance. Last evaluated: 2024-10-21. Review status: criteria provided, single submitter. Criteria: DASA Assertion Criteria. Collection method: clinical testing. Allele origin: germline.
Comment: NM_005121.3(MED13):c.3020C>A (p.Pro1007His) is a missense variant that results in the substitution of proline with histidine. This variant is absent from population databases. The currently available literature and clinical evidence are not sufficient to establish a definitive association between this variant and the reported condition. Therefore, this variant is classified as a variant of uncertain significance.

GeneDx
Classification: Uncertain significance. Last evaluated: 2020-03-04. Review status: criteria provided, single submitter. Criteria: GeneDx Variant Classification Process June 2021. Collection method: clinical testing. Allele origin: germline. Affected: yes.
Comment: Not observed in large population cohorts (Lek et al., 2016); In silico analysis supports that this missense variant has a deleterious effect on protein structure/function; Has not been previously published as pathogenic or benign to our knowledge

NM_005121.3(MED13):c.3020C>A (p.Pro1007His)

Gene: MED13 (mediator complex subunit 13; minus strand). Cytogenetic location: 17q23.2.
Variant type: single nucleotide variant.
Coding change: c.3020C>A on transcript NM_005121.3 (MANE Select); coding-DNA position 3020, C replaced by A.
Protein change: p.Pro1007His; replaces proline 1007 with histidine.
Molecular consequence: missense variant.
Genome position (GRCh38, 1-based): chr17:61,982,983, G>T on the plus strand (C>A on the coding strand, the complement: MED13 is on the minus strand). VCF-style: chr17-61982983-G-T. GRCh37 (hg19) VCF-style: chr17-60060344-G-T.
Other names: short protein forms P1007H.
Identifiers: ClinVar variation 1312552 (VCV001312552.4), dbSNP rs775711468, ClinGen allele CA400505793.
Genomic context (GRCh38, chr17:61,982,983, plus strand): 5'-GGTCCACCAGCTCCACGAGGAGTCCGAGGAGTCCTTGGAGTCCTTGGAGTTGGAAACCGA[G>T]GGGTGGATGGAGAAGGAAGAATTCCTGCTCCGCTGTTACTAGGAGGTGCACTGCTAGGAG-3'
Protein context (NP_005112.2, residues 997-1017): GAGILPSPST[Pro1007His]RFPTPRTPRT